The following is an entry in ClinVar:

NM_001366385.1(CARD14):c.2266T>C (p.Cys756Arg)

Genes: SGSH (N-sulfoglucosamine sulfohydrolase; minus strand), CARD14 (caspase recruitment domain family member 14; plus strand). Cytogenetic location: 17q25.3.
Variant type: single nucleotide variant.
Coding change: c.2266T>C on transcript NM_001366385.1 (MANE Select); coding-DNA position 2266, T replaced by C.
Protein change: p.Cys756Arg; replaces cysteine 756 with arginine.
Molecular consequence: missense variant. On other transcripts: non-coding transcript variant (1).
Genome position (GRCh38, 1-based): chr17:80,203,868, T>C. VCF-style: chr17-80203868-T-C. GRCh37 (hg19) VCF-style: chr17-78177667-T-C.
Other names: c.2266T>C, p.Cys756Arg (NM_024110.4); short protein forms C756R.
Identifiers: ClinVar variation 3759101 (VCV003759101.2).
Genomic context (GRCh38, chr17:80,203,868, plus strand): 5'-GCTGGTCTCTGCAGGGCTCAGCAGCAGCTCATAGCCCTCATCCAGGACATGACTCAGCAG[T>C]GCACCGTGACCCGCAAGGTGAGGCTCCAGGGAGGGGCCTGGACCCCACTGGGGTGGGCTG-3'
Protein context (NP_001353314.1, residues 746-766): IALIQDMTQQ[Cys756Arg]TVTRKPSSGG

ClinVar aggregate classification (germline): Uncertain significance (1 of 4 stars; one submission).

Conditions:
Pityriasis rubra pilaris (PRP). Also called: Pityriasis rubra pilaris--familial type. Identifiers: Orphanet 2897, MedGen C0032027, MONDO:0100017, OMIM 173200, MONDO:0008251.
Psoriasis 2. Identifiers: MedGen C1864497, MONDO:0011269, OMIM 602723.

Submission:

Labcorp Genetics (formerly Invitae), Labcorp
Classification: Uncertain significance for Pityriasis rubra pilaris; Psoriasis 2. Last evaluated: 2024-12-07. Review status: criteria provided, single submitter. Criteria: Invitae Variant Classification Sherloc (09022015). Collection method: clinical testing. Allele origin: germline.
Comment: This sequence change replaces cysteine, which is neutral and slightly polar, with arginine, which is basic and polar, at codon 756 of the CARD14 protein (p.Cys756Arg). This variant is not present in population databases (gnomAD no frequency). This variant has not been reported in the literature in individuals affected with CARD14-related conditions. Invitae Evidence Modeling of protein sequence and biophysical properties (such as structural, functional, and spatial information, amino acid conservation, physicochemical variation, residue mobility, and thermodynamic stability) indicates that this missense variant is not expected to disrupt CARD14 protein function with a negative predictive value of 95%. In summary, the available evidence is currently insufficient to determine the role of this variant in disease. Therefore, it has been classified as a Variant of Uncertain Significance.